The following is an entry in ClinVar:

ClinVar aggregate classification (germline): Uncertain significance. Review status: criteria provided, multiple submitters, no conflicts (2 of 4 stars). 2 submissions from 2 submitters: Uncertain significance (2). Last evaluated 2026-06-01.

Conditions:
Inborn genetic diseases. Identifiers: MedGen C0950123, MeSH D030342.

gnomAD v4.1: 3 of 1,614,126 alleles (0.00019%); highest among the groups gnomAD compares: South Asian, 0.0011%; no homozygotes.

Submissions (2):

Women's Health and Genetics/Laboratory Corporation of America, LabCorp
Classification: Uncertain significance. Last evaluated: 2026-06-01. Review status: criteria provided, single submitter. Criteria: LabCorp Variant Classification Summary - May 2015. Collection method: clinical testing. Allele origin: germline.
Comment: Variant summary: KMT2A c.6653C>A (p.Thr2218Asn) results in a non-conservative amino acid change in the encoded protein sequence. Algorithms developed to predict the effect of missense changes on protein structure and function are either unavailable or do not agree on the potential impact of this missense change. The variant allele was found at a frequency of 4e-06 in 249618 control chromosomes. The available data on variant occurrences in the general population are insufficient to allow any conclusion about variant significance. To our knowledge, no occurrence of c.6653C>A in individuals affected with KMT2A-related conditions and no experimental evidence demonstrating its impact on protein function have been reported. ClinVar contains an entry for this variant (Variation ID: 4094230). Based on the evidence outlined above, the variant was classified as uncertain significance.

Ambry Genetics
Classification: Uncertain significance for Inborn genetic diseases. Last evaluated: 2025-08-01. Review status: criteria provided, single submitter. Criteria: Ambry Variant Classification Scheme 2023. Collection method: clinical testing. Allele origin: germline.

NM_001197104.2(KMT2A):c.6653C>A (p.Thr2218Asn)

Gene: KMT2A (lysine methyltransferase 2A; plus strand). Cytogenetic location: 11q23.3.
Variant type: single nucleotide variant.
Coding change: c.6653C>A on transcript NM_001197104.2 (MANE Select); coding-DNA position 6653, C replaced by A.
Protein change: p.Thr2218Asn; replaces threonine 2218 with asparagine.
Molecular consequence: missense variant.
Genome position (GRCh38, 1-based): chr11:118,502,545, C>A. VCF-style: chr11-118502545-C-A. GRCh37 (hg19) VCF-style: chr11-118373260-C-A.
Other names: c.6743C>A, p.Thr2248Asn (NM_001412597.1); c.6644C>A, p.Thr2215Asn (NM_005933.4); short protein forms T2248N, T2218N, T2215N.
Identifiers: ClinVar variation 4094230 (VCV004094230.2).
Genomic context (GRCh38, chr11:118,502,545, plus strand): 5'-ACAGTACCTCTTCCTTATCACCCCAGCGGTCCAAACTCCGGATAATGTCTCCAATGAGAA[C>A]TGGGAATACTTACTCTAGGAATAATGTTTCCTCAGTCTCCACCACCGGGACCGCTACTGA-3'
Protein context (NP_001184033.1, residues 2208-2228): SKLRIMSPMR[Thr2218Asn]GNTYSRNNVS